The following is an entry in ClinVar:

ClinVar aggregate classification (germline): Likely pathogenic (1 of 4 stars; one submission).

Conditions:
Ellis-van Creveld syndrome (EVC). Also called: MESOECTODERMAL DYSPLASIA; Chondroectodermal dysplasia; EVC-Related Ellis-van Creveld Syndrome; EVC2-Related Ellis-van Creveld Syndrome. Identifiers: Orphanet 289, MedGen C0013903, MONDO:0009162, OMIM 225500.
Curry-Hall syndrome (WAD). Also called: WEYERS ACRODENTAL DYSOSTOSIS. Identifiers: Orphanet 952, MedGen C0457013, MONDO:0008673, OMIM 193530.

Submission:

Labcorp Genetics (formerly Invitae), Labcorp
Classification: Likely pathogenic for Curry-Hall syndrome; Ellis-van Creveld syndrome. Last evaluated: 2024-01-14. Review status: criteria provided, single submitter. Criteria: Invitae Variant Classification Sherloc (09022015). Collection method: clinical testing. Allele origin: unknown.
Comment: This variant is a gross deletion of the genomic region encompassing exon(s) 4-5 of the EVC gene. This variant would be expected to be in-frame, preserving the integrity of the reading frame. A similar copy number variant has been observed in individual(s) with clinical features of Ellis-van Creveld syndrome (Invitae). In summary, the currently available evidence indicates that the variant is pathogenic, but additional data are needed to prove that conclusively. Therefore, this variant has been classified as Likely Pathogenic.

NC_000004.11:g.(?_5733132)_(5735182_?)del

Gene: EVC (EvC ciliary complex subunit 1; plus strand). Cytogenetic location: 4p16.2.
Variant type: Deletion.
Identifiers: ClinVar variation 3246639 (VCV003246639.1).